The following is an entry in ClinVar:

ClinVar aggregate classification (germline): Uncertain significance (1 of 4 stars; one submission).

Submission:

GeneDx
Classification: Uncertain significance. Last evaluated: 2024-01-30. Review status: criteria provided, single submitter. Criteria: GeneDx Variant Classification Process June 2021. Collection method: clinical testing. Allele origin: germline. Affected: yes.
Comment: Not observed at significant frequency in large population cohorts (gnomAD); In silico analysis supports that this missense variant does not alter protein structure/function; Has not been previously published as pathogenic or benign to our knowledge

NM_014712.3(SETD1A):c.1609G>T (p.Gly537Trp)

Gene: SETD1A (SET domain containing 1A, histone lysine methyltransferase; plus strand). Cytogenetic location: 16p11.2.
Variant type: single nucleotide variant.
Coding change: c.1609G>T on transcript NM_014712.3 (MANE Select); coding-DNA position 1609, G replaced by T.
Protein change: p.Gly537Trp; replaces glycine 537 with tryptophan.
Molecular consequence: missense variant.
Genome position (GRCh38, 1-based): chr16:30,965,351, G>T. VCF-style: chr16-30965351-G-T. GRCh37 (hg19) VCF-style: chr16-30976672-G-T.
Other names: short protein forms G537W.
Identifiers: ClinVar variation 3368596 (VCV003368596.1).